The following is an entry in ClinVar:

ClinVar aggregate classification (germline): Pathogenic (1 of 4 stars; one submission).

Submission:

Labcorp Genetics (formerly Invitae), Labcorp
Classification: Pathogenic. Last evaluated: 2023-12-03. Review status: criteria provided, single submitter. Criteria: Invitae Variant Classification Sherloc (09022015). Collection method: clinical testing. Allele origin: germline.
Comment: This variant is a gross deletion of the genomic region encompassing exon(s) 4-6 of the TTC37 gene, which includes the initiator codon. This deletion extends beyond the assayed region for this gene and therefore may encompass additional genes. It is expected to result in an absent or disrupted protein product. Loss-of-function variants in TTC37 are known to be pathogenic (PMID: 20176027, 21120949). This variant has not been reported in the literature in individuals affected with TTC37-related conditions. For these reasons, this variant has been classified as Pathogenic.

Literature cited by the submitters: PubMed 20176027; PubMed 21120949.

NC_000005.9:g.(?_94877499)_(94882854_?)del

Gene: SKIC3 (SKI3 subunit of superkiller complex; minus strand). Cytogenetic location: 5q15.
Variant type: Deletion.
Identifiers: ClinVar variation 1458865 (VCV001458865.5).